The following is an entry in ClinVar:

NM_000426.4(LAMA2):c.2282G>A (p.Gly761Asp)

Gene: LAMA2 (laminin subunit alpha 2; plus strand). Cytogenetic location: 6q22.33.
Variant type: single nucleotide variant.
Coding change: c.2282G>A on transcript NM_000426.4 (MANE Select); coding-DNA position 2282, G replaced by A.
Protein change: p.Gly761Asp; replaces glycine 761 with aspartic acid.
Molecular consequence: missense variant.
Genome position (GRCh38, 1-based): chr6:129,267,179, G>A. VCF-style: chr6-129267179-G-A. GRCh37 (hg19) VCF-style: chr6-129588324-G-A.
Other names: c.2282G>A, p.Gly761Asp (NM_001079823.2); short protein forms G761D.
Identifiers: ClinVar variation 1405070 (VCV001405070.3), dbSNP rs1787582249, ClinGen allele CA365608878.
Genomic context (GRCh38, chr6:129,267,179, plus strand): 5'-GGCACAGGCGAGTTAACGGCACTATTTTTGGTGGCATCTGTGAGCCATGTCAGTGCTTTG[G>A]TCATGCGGAGTCCTGTGATGACGTCACTGGAGAATGCCTGGTAAGTGCTCTCTTCTTTGG-3'
Protein context (NP_000417.3, residues 751-771): GGICEPCQCF[Gly761Asp]HAESCDDVTG

ClinVar aggregate classification (germline): Uncertain significance (1 of 4 stars; one submission).

Conditions:
LAMA2-related muscular dystrophy (LAMA2-RD). Also called: Laminin alpha 2-related dystrophy. Identifiers: MedGen C5679788, MONDO:0100228.

Allele frequency attached by ClinVar (database versions not stated): TOPMed below 0.00001; gnomAD 0.00001.
gnomAD v4.1: 3 of 1,613,144 alleles (0.00019%); highest among the groups gnomAD compares: Non-Finnish European, 0.00025%; no homozygotes.

Submission:

Labcorp Genetics (formerly Invitae), Labcorp
Classification: Uncertain significance for LAMA2-related muscular dystrophy. Last evaluated: 2021-10-11. Review status: criteria provided, single submitter. Criteria: Invitae Variant Classification Sherloc (09022015). Collection method: clinical testing. Allele origin: germline.
Comment: This sequence change replaces glycine with aspartic acid at codon 761 of the LAMA2 protein (p.Gly761Asp). The glycine residue is moderately conserved and there is a moderate physicochemical difference between glycine and aspartic acid. This variant is not present in population databases (ExAC no frequency). This variant has not been reported in the literature in individuals affected with LAMA2-related conditions. Advanced modeling of protein sequence and biophysical properties (such as structural, functional, and spatial information, amino acid conservation, physicochemical variation, residue mobility, and thermodynamic stability) performed at Invitae indicates that this missense variant is not expected to disrupt LAMA2 protein function. In summary, the available evidence is currently insufficient to determine the role of this variant in disease. Therefore, it has been classified as a Variant of Uncertain Significance.